The following is an entry in ClinVar:

NM_001282531.3(ADNP):c.1237T>C (p.Ser413Pro)

Gene: ADNP (activity dependent neuroprotector homeobox; minus strand). Cytogenetic location: 20q13.13.
Variant type: single nucleotide variant.
Coding change: c.1237T>C on transcript NM_001282531.3 (MANE Select); coding-DNA position 1237, T replaced by C.
Protein change: p.Ser413Pro; replaces serine 413 with proline.
Molecular consequence: missense variant.
Genome position (GRCh38, 1-based): chr20:50,893,477, A>G on the plus strand (T>C on the coding strand, the complement: ADNP is on the minus strand). VCF-style: chr20-50893477-A-G. GRCh37 (hg19) VCF-style: chr20-49510014-A-G.
Other names: c.1237T>C, p.Ser413Pro (NM_001282532.2, NM_001347511.2, NM_015339.5 and 1 more transcripts); c.1453T>C, p.Ser485Pro (NM_001439000.1); c.553T>C, p.Ser185Pro (NM_001439001.1); short protein forms S413P, S185P, S485P.
Identifiers: ClinVar variation 4773367 (VCV004773367.1).

ClinVar aggregate classification (germline): Uncertain significance (1 of 4 stars; one submission).

gnomAD v4.1: 1 of 1,613,966 alleles (0.000062%); highest among the groups gnomAD compares: Admixed American, 0.0017%; no homozygotes.

Submission:

Labcorp Genetics (formerly Invitae), Labcorp
Classification: Uncertain significance. Last evaluated: 2025-05-26. Review status: criteria provided, single submitter. Criteria: Invitae Variant Classification Sherloc (09022015). Collection method: clinical testing. Allele origin: germline.
Comment: This sequence change replaces serine, which is neutral and polar, with proline, which is neutral and non-polar, at codon 413 of the ADNP protein (p.Ser413Pro). This variant is not present in population databases (gnomAD no frequency). This variant has not been reported in the literature in individuals affected with ADNP-related conditions. An algorithm developed to predict the effect of missense changes on protein structure and function (PolyPhen-2) suggests that this variant is likely to be disruptive. In summary, the available evidence is currently insufficient to determine the role of this variant in disease. Therefore, it has been classified as a Variant of Uncertain Significance.